The following is an entry in ClinVar:

NC_000019.10:g.(?_10819970)_(10823909_?)dup

Gene: DNM2 (dynamin 2; plus strand). Cytogenetic location: 19p13.2.
Variant type: Duplication.
Identifiers: ClinVar variation 830954 (VCV000830954.1).

ClinVar aggregate classification (germline): Uncertain significance (1 of 4 stars; one submission).

Conditions:
Charcot-Marie-Tooth disease dominant intermediate B (CMTDIB). Also called: CHARCOT-MARIE-TOOTH NEUROPATHY, DOMINANT INTERMEDIATE B; Charcot-Marie-Tooth disease dominant intermediate 1; CMT DI1; Charcot-Marie-Tooth disease dominant intermediate I. Identifiers: Orphanet 100044, Orphanet 228179, MedGen C1847902, MONDO:0011674, OMIM 606482.

Submission:

Labcorp Genetics (formerly Invitae), Labcorp
Classification: Uncertain significance for Charcot-Marie-Tooth disease, dominant intermediate B. Last evaluated: 2019-03-07. Review status: criteria provided, single submitter. Criteria: Invitae Variant Classification Sherloc (09022015). Collection method: clinical testing. Allele origin: germline.
Comment: This variant is a gross duplication of the genomic region encompassing exons 16-17 of the DNM2 gene. While the exact position of the duplicated exons cannot be determined from this data, the duplicated copy of this region is likely in tandem and in-frame, therefore preserving the integrity of the reading frame. This variant has not been reported in the literature in individuals with DNM2-related disease. In summary, the available evidence is currently insufficient to determine the role of this variant in disease. Therefore, it has been classified as a Variant of Uncertain Significance.